The following is an entry in ClinVar:

ClinVar aggregate classification (germline): Uncertain significance. Review status: criteria provided, multiple submitters, no conflicts (2 of 4 stars). 2 submissions from 2 submitters: Uncertain significance (2). Last evaluated 2022-06-09.

Conditions:
Inborn genetic diseases. Identifiers: MedGen C0950123, MeSH D030342.

Allele frequency attached by ClinVar (database versions not stated): gnomAD exomes below 0.00001; ExAC 0.00001; TOPMed 0.00001; gnomAD 0.00002.
gnomAD v4.1: 7 of 1,613,774 alleles (0.00043%); highest among the groups gnomAD compares: African/African-American, 0.0013%; no homozygotes.

Submissions (2):

Labcorp Genetics (formerly Invitae), Labcorp
Classification: Uncertain significance. Last evaluated: 2022-06-09. Review status: criteria provided, single submitter. Criteria: Invitae Variant Classification Sherloc (09022015). Collection method: clinical testing. Allele origin: germline.
Comment: This sequence change replaces isoleucine, which is neutral and non-polar, with valine, which is neutral and non-polar, at codon 756 of the MCM3AP protein (p.Ile756Val). This variant is present in population databases (rs754105169, gnomAD 0.0009%). This variant has not been reported in the literature in individuals affected with MCM3AP-related conditions. Algorithms developed to predict the effect of missense changes on protein structure and function (SIFT, PolyPhen-2, Align-GVGD) all suggest that this variant is likely to be disruptive. In summary, the available evidence is currently insufficient to determine the role of this variant in disease. Therefore, it has been classified as a Variant of Uncertain Significance.

Ambry Genetics
Classification: Uncertain significance for Inborn genetic diseases. Last evaluated: 2021-03-24. Review status: criteria provided, single submitter. Criteria: Ambry Variant Classification Scheme 2023. Collection method: clinical testing. Allele origin: germline.
Comment: The c.2266A>G (p.I756V) alteration is located in exon 8 (coding exon 8) of the MCM3AP gene. This alteration results from a A to G substitution at nucleotide position 2266, causing the isoleucine (I) at amino acid position 756 to be replaced by a valine (V). The p.I756V alteration is predicted to be tolerated by in silico analysis. Based on insufficient or conflicting evidence, the clinical significance of this alteration remains unclear.

NM_003906.5(MCM3AP):c.2266A>G (p.Ile756Val)

Gene: MCM3AP (minichromosome maintenance complex component 3 associated protein; minus strand). Cytogenetic location: 21q22.3.
Variant type: single nucleotide variant.
Coding change: c.2266A>G on transcript NM_003906.5 (MANE Select); coding-DNA position 2266, A replaced by G.
Protein change: p.Ile756Val; replaces isoleucine 756 with valine.
Molecular consequence: missense variant.
Genome position (GRCh38, 1-based): chr21:46,272,760, T>C on the plus strand (A>G on the coding strand, the complement: MCM3AP is on the minus strand). VCF-style: chr21-46272760-T-C. GRCh37 (hg19) VCF-style: chr21-47692674-T-C.
Other names: short protein forms I756V.
Identifiers: ClinVar variation 2050882 (VCV002050882.2), dbSNP rs754105169, ClinGen allele CA10076841.